The following is an entry in ClinVar:

NM_001004127.3(ALG11):c.*468G>T

Genes: UTP14C (UTP14C small subunit processome component; plus strand), ALG11 (ALG11 alpha-1,2-mannosyltransferase; plus strand). Cytogenetic location: 13q14.3.
Variant type: single nucleotide variant.
Coding change: c.*468G>T on transcript NM_001004127.3 (MANE Select); 468 bases downstream of the stop codon, G replaced by T.
Molecular consequence: 3 prime UTR variant. On other transcripts: non-coding transcript variant (1), missense variant (1).
Genome position (GRCh38, 1-based): chr13:52,029,058, G>T. VCF-style: chr13-52029058-G-T. GRCh37 (hg19) VCF-style: chr13-52603194-G-T.
Other names: c.254G>T, p.Gly85Val (NM_021645.6); short protein forms G85V.
Identifiers: ClinVar variation 312422 (VCV000312422.9), dbSNP rs3742289, ClinGen allele CA6990145.

ClinVar aggregate classification (germline): Benign. Review status: criteria provided, multiple submitters, no conflicts (2 of 4 stars). 3 submissions from 3 submitters: Benign (3). Last evaluated 2021-06-09.

Conditions:
ALG11-congenital disorder of glycosylation. Also called: CONGENITAL DISORDER OF GLYCOSYLATION, TYPE Ip; ALG11-CDG. Identifiers: Orphanet 280071, MedGen C3150913, MONDO:0013349, OMIM 613661.

Allele frequency attached by ClinVar (database versions not stated): 1000 Genomes Project 0.58127; 1000 Genomes Project 30x 0.58604; TOPMed 0.62358; gnomAD 0.62888 and 0.63014; ESP Exome Variant Server 0.63286; ExAC 0.64785; gnomAD exomes 0.65262.
gnomAD v4.1: 1,094,370 of 1,614,010 alleles (68%); highest among the groups gnomAD compares: Non-Finnish European, 71%; 374,382 homozygotes.

Submissions (3):

GeneDx
Classification: Benign. Last evaluated: 2021-06-09. Review status: criteria provided, single submitter. Criteria: GeneDx Variant Classification Process June 2021. Collection method: clinical testing. Allele origin: germline. Affected: yes.

Illumina Laboratory Services, Illumina
Classification: Benign for ALG11-congenital disorder of glycosylation. Last evaluated: 2018-01-13. Review status: criteria provided, single submitter. Criteria: ICSL Variant Classification Criteria 13 December 2019. Collection method: clinical testing. Allele origin: germline.
Comment: This variant was observed in the ICSL laboratory as part of a predisposition screen in an ostensibly healthy population. It had not been previously curated by ICSL or reported in the Human Gene Mutation Database (HGMD: prior to June 1st, 2018), and was therefore a candidate for classification through an automated scoring system. Utilizing variant allele frequency, disease prevalence and penetrance estimates, and inheritance mode, an automated score was calculated to assess if this variant is too frequent to cause the disease. Based on the score and internal cut-off values, a variant classified as benign is not then subjected to further curation. The score for this variant resulted in a classification of benign for this disease.

Breakthrough Genomics
Classification: Benign. Review status: criteria provided, single submitter. Criteria: ACMG Guidelines, 2015. Collection method: not provided. Allele origin: germline. Inheritance: Autosomal recessive inheritance. Affected: yes.